The following is an entry in ClinVar:

ClinVar aggregate classification (germline): Uncertain significance. Review status: criteria provided, multiple submitters, no conflicts (2 of 4 stars). 3 submissions from 3 submitters: Uncertain significance (3). Last evaluated 2025-06-16.

Conditions:
Hereditary cancer-predisposing syndrome. Also called: Neoplastic Syndromes, Hereditary; Tumor predisposition; Hereditary Cancer Syndrome; Hereditary neoplastic syndrome. Identifiers: Orphanet 140162, MedGen C0027672, MeSH D009386, MONDO:0015356.
Hereditary nonpolyposis colorectal neoplasms. Identifiers: MedGen C0009405, MeSH D003123.

Allele frequency attached by ClinVar (database versions not stated): gnomAD exomes below 0.00001.

Submissions (3):

Labcorp Genetics (formerly Invitae), Labcorp
Classification: Uncertain significance for Hereditary nonpolyposis colorectal neoplasms. Last evaluated: 2025-06-16. Review status: criteria provided, single submitter. Criteria: Invitae Variant Classification Sherloc (09022015). Collection method: clinical testing. Allele origin: germline.
Comment: This sequence change replaces glycine, which is neutral and non-polar, with alanine, which is neutral and non-polar, at codon 162 of the MSH6 protein (p.Gly162Ala). This variant is not present in population databases (gnomAD no frequency). This variant has not been reported in the literature in individuals affected with MSH6-related conditions. ClinVar contains an entry for this variant (Variation ID: 233703). Invitae Evidence Modeling of protein sequence and biophysical properties (such as structural, functional, and spatial information, amino acid conservation, physicochemical variation, residue mobility, and thermodynamic stability) indicates that this missense variant is not expected to disrupt MSH6 protein function with a negative predictive value of 95%. In summary, the available evidence is currently insufficient to determine the role of this variant in disease. Therefore, it has been classified as a Variant of Uncertain Significance.

Color Diagnostics, LLC DBA Color Health
Classification: Uncertain significance for Hereditary cancer-predisposing syndrome. Last evaluated: 2023-12-04. Review status: criteria provided, single submitter. Criteria: ACMG Guidelines, 2015. Collection method: clinical testing. Allele origin: germline.
Comment: This missense variant replaces glycine with alanine at codon 162 of the MSH6 protein. Computational prediction suggests that this variant may not impact protein structure and function (internally defined REVEL score threshold <= 0.5, PMID: 27666373). To our knowledge, functional studies have not been reported for this variant. This variant has not been reported in individuals affected with MSH6-related disorders in the literature. This variant has not been identified in the general population by the Genome Aggregation Database (gnomAD). The available evidence is insufficient to determine the role of this variant in disease conclusively. Therefore, this variant is classified as a Variant of Uncertain Significance.

Ambry Genetics
Classification: Uncertain significance for Hereditary cancer-predisposing syndrome. Last evaluated: 2022-03-30. Review status: criteria provided, single submitter. Criteria: Ambry Variant Classification Scheme 2023. Collection method: clinical testing. Allele origin: germline.
Comment: The p.G162A variant (also known as c.485G>C), located in coding exon 3 of the MSH6 gene, results from a G to C substitution at nucleotide position 485. The glycine at codon 162 is replaced by alanine, an amino acid with similar properties. This amino acid position is highly conserved in available vertebrate species. In addition, the in silico prediction for this alteration is inconclusive. Since supporting evidence is limited at this time, the clinical significance of this alteration remains unclear.

NM_000179.3(MSH6):c.485G>C (p.Gly162Ala)

Gene: MSH6 (mutS homolog 6; plus strand). Cytogenetic location: 2p16.3.
Variant type: single nucleotide variant.
Coding change: c.485G>C on transcript NM_000179.3 (MANE Select); coding-DNA position 485, G replaced by C.
Protein change: p.Gly162Ala; replaces glycine 162 with alanine.
Molecular consequence: missense variant. On other transcripts: 5 prime UTR variant (1), intron variant (2).
Genome position (GRCh38, 1-based): chr2:47,795,921, G>C. VCF-style: chr2-47795921-G-C. GRCh37 (hg19) VCF-style: chr2-48023060-G-C.
Other names: c.-418G>C (NM_001281494.2); c.-279-2690G>C (NM_001281493.2); c.238-2690G>C (NM_001281492.2); short protein forms G162A.
Identifiers: ClinVar variation 233703 (VCV000233703.13), dbSNP rs876660583, ClinGen allele CA10578036.
Genomic context (GRCh38, chr2:47,795,921, plus strand): 5'-GCCCTTATTGTTTATAAATACATTTCTTTCTAGGTTCAAAATCAAAGGAAGCCCAGAAGG[G>C]AGGTCATTTTTACAGTGCAAAGCCTGAAATACTGAGAGCAATGCAACGTGCAGATGAAGC-3'
Protein context (NP_000170.1, residues 152-172): TGSKSKEAQK[Gly162Ala]GHFYSAKPEI